The following is an entry in ClinVar:

NM_001354930.2(RIPK1):c.1022G>A (p.Gly341Asp)

Gene: RIPK1 (receptor interacting serine/threonine kinase 1; plus strand). Cytogenetic location: 6p25.2.
Variant type: single nucleotide variant.
Coding change: c.1022G>A on transcript NM_001354930.2 (MANE Select); coding-DNA position 1022, G replaced by A.
Protein change: p.Gly341Asp; replaces glycine 341 with aspartic acid.
Molecular consequence: missense variant.
Genome position (GRCh38, 1-based): chr6:3,105,497, G>A. VCF-style: chr6-3105497-G-A. GRCh37 (hg19) VCF-style: chr6-3105731-G-A.
Other names: p.Gly341Asp; c.533G>A, p.Gly178Asp (NM_001317061.3, NM_001354932.2, NM_001354933.2 and 1 more transcripts); c.884G>A, p.Gly295Asp (NM_001354931.2); c.1022G>A, p.Gly341Asp (NM_003804.6); short protein forms G178D, G295D, G341D.
Identifiers: ClinVar variation 2860665 (VCV002860665.4), dbSNP rs1457430883, ClinGen allele CA362570536.
Genomic context (GRCh38, chr6:3,105,497, plus strand): 5'-TAATGTTTCATGACACCCATTCTAATGTTGATCATTTCTTCTCAGCCACAGAACAGCCTG[G>A]TTCACTGCACAGTTCCCAGGGACTTGGGATGGGTCCTGTGGAGGAGTCCTGGTTTGCTCC-3'
Protein context (NP_001341859.1, residues 331-351): SRSNSATEQP[Gly341Asp]SLHSSQGLGM

ClinVar aggregate classification (germline): Uncertain significance. Review status: criteria provided, multiple submitters, no conflicts (2 of 4 stars). 2 submissions from 2 submitters: Uncertain significance (2). Last evaluated 2026-01-22.

Allele frequency attached by ClinVar (database versions not stated): gnomAD exomes 0.00001.
gnomAD v4.1: 3 of 1,550,434 alleles (0.00019%); highest among the groups gnomAD compares: Non-Finnish European, 0.00026%; no homozygotes.

Submissions (2):

Labcorp Genetics (formerly Invitae), Labcorp
Classification: Uncertain significance. Last evaluated: 2026-01-22. Review status: criteria provided, single submitter. Criteria: Invitae Variant Classification Sherloc (09022015). Collection method: clinical testing. Allele origin: germline.
Comment: This sequence change replaces glycine, which is neutral and non-polar, with aspartic acid, which is acidic and polar, at codon 341 of the RIPK1 protein (p.Gly341Asp). This variant is present in population databases (no rsID available, gnomAD 0.001%). This variant has not been reported in the literature in individuals affected with RIPK1-related conditions. ClinVar contains an entry for this variant (Variation ID: 2860665). An algorithm developed to predict the effect of missense changes on protein structure and function (PolyPhen-2) suggests that this variant is likely to be tolerated. In summary, the available evidence is currently insufficient to determine the role of this variant in disease. Therefore, it has been classified as a Variant of Uncertain Significance.

Mayo Clinic Laboratories, Mayo Clinic
Classification: Uncertain significance. Last evaluated: 2025-05-21. Review status: criteria provided, single submitter. Criteria: ACMG Guidelines, 2015. Collection method: clinical testing. Allele origin: germline. Observed: 1 variant allele.
Comment: BP4_moderate, PM2_supporting